The following is an entry in ClinVar:

ClinVar aggregate classification (germline): Likely pathogenic (1 of 4 stars; one submission).

Conditions:
Mucopolysaccharidosis type 6 (MPS6). Also called: N-ACETYLGALACTOSAMINE-4-SULFATASE DEFICIENCY; MPS VI; MPS 6; Maroteaux Lamy syndrome; ARSB DEFICIENCY; ARYLSULFATASE B DEFICIENCY. Identifiers: Orphanet 583, MedGen C0026709, MONDO:0009661, OMIM 253200.

Submission:

Laboratory of Diagnosis and Therapy of Lysosomal Disorders, University of Padova
Classification: Likely pathogenic for Mucopolysaccharidosis type 6. Last evaluated: 2018-01-01. Review status: criteria provided, single submitter. Criteria: ACMG Guidelines, 2015. Collection method: curation. Allele origin: germline. Affected: yes.
Comment: Frameshift variant (PVS1); Absent from GnomAD (PM2)

Literature cited by the submitters: PubMed 22133300; PubMed 30118150.

NM_000046.5(ARSB):c.750_754delinsCCTGAAGTCAAG (p.Glu250fs)

Gene: ARSB (arylsulfatase B; minus strand). Cytogenetic location: 5q14.1.
Variant type: Indel.
Coding change: c.750_754delinsCCTGAAGTCAAG on transcript NM_000046.5 (MANE Select); coding-DNA positions 750 to 754, ATACT replaced by CCTGAAGTCAAG.
Protein change: p.Glu250fs; shifts the reading frame from glutamic acid 250.
Molecular consequence: frameshift variant.
Genome position (GRCh38, 1-based): chr5:78,955,439-78,955,443, AGTAT replaced by CTTGACTTCAGG on the plus strand (ATACT replaced by CCTGAAGTCAAG on the coding strand, the reverse complement: ARSB is on the minus strand). VCF-style: chr5-78955439-AGTAT-CTTGACTTCAGG. GRCh37 (hg19) VCF-style: chr5-78251262-AGTAT-CTTGACTTCAGG.
Other names: c.750_754delinsCCTGAAGTCAAG, p.Glu250fs (NM_198709.3); short protein forms E250fs.
Identifiers: ClinVar variation 559811 (VCV000559811.1), dbSNP rs1554086417, ClinGen allele CA658822928.
Genomic context (GRCh38, chr5:78,955,439, plus strand): 5'-GGGACACCATTCCTGCATAGTGATGCCTGTTCTTGTCTTGGATAAAGTCATATGGCTTCA[AGTAT>CTTGACTTCAGG]TCCTCAGGGACCTGAAGGGGCTCATGCACAGACTGGAGAGCAAGGTAGAGAAACAGAGGC-3'